The following is an entry in ClinVar:

ClinVar aggregate classification (germline): Pathogenic (1 of 4 stars; one submission).

Conditions:
Autosomal recessive polycystic kidney disease (ARPKD). Also called: AR polycystic kidney disease. Identifiers: Orphanet 731, Orphanet 8378, MedGen C0085548, MeSH D017044, MONDO:0009889.

Submission:

Labcorp Genetics (formerly Invitae), Labcorp
Classification: Pathogenic for Autosomal recessive polycystic kidney disease. Last evaluated: 2021-02-18. Review status: criteria provided, single submitter. Criteria: Invitae Variant Classification Sherloc (09022015). Collection method: clinical testing. Allele origin: germline.
Comment: This sequence change creates a premature translational stop signal (p.Trp1834*) in the PKHD1 gene. It is expected to result in an absent or disrupted protein product. Loss-of-function variants in PKHD1 are known to be pathogenic (PMID: 19940839). This variant is not present in population databases (ExAC no frequency). This variant has not been reported in the literature in individuals with PKHD1-related conditions. For these reasons, this variant has been classified as Pathogenic.

Literature cited by the submitters: PubMed 19940839.

NM_138694.4(PKHD1):c.5502G>A (p.Trp1834Ter)

Gene: PKHD1 (PKHD1 ciliary IPT domain containing fibrocystin/polyductin; minus strand). Cytogenetic location: 6p12.2.
Variant type: single nucleotide variant.
Coding change: c.5502G>A on transcript NM_138694.4 (MANE Select); coding-DNA position 5502, G replaced by A.
Protein change: p.Trp1834Ter; replaces tryptophan 1834 with a stop codon.
Molecular consequence: nonsense.
Genome position (GRCh38, 1-based): chr6:52,017,508, C>T on the plus strand (G>A on the coding strand, the complement: PKHD1 is on the minus strand). VCF-style: chr6-52017508-C-T. GRCh37 (hg19) VCF-style: chr6-51882306-C-T.
Other names: c.5502G>A, p.Trp1834Ter (NM_170724.3); short protein forms W1834*.
Identifiers: ClinVar variation 1451215 (VCV001451215.6), dbSNP rs1800728912, ClinGen allele CA364425681.
Genomic context (GRCh38, chr6:52,017,508, plus strand): 5'-TGCCCAATGATCTGGCACAAAGAGGCATTGGGAACTTTCCTCGCAAATGTAGAGGTAAGG[C>T]CACGATTCAAGCAGTTGCTCTGTCGCCATGGCAACTGTCAAATCACACTGCACATAGGTG-3'